The following is an entry in ClinVar:

NM_005918.4(MDH2):c.609G>C (p.Lys203Asn)

Gene: MDH2 (malate dehydrogenase 2; plus strand). Cytogenetic location: 7q11.23.
Variant type: single nucleotide variant.
Coding change: c.609G>C on transcript NM_005918.4 (MANE Select); coding-DNA position 609, G replaced by C.
Protein change: p.Lys203Asn; replaces lysine 203 with asparagine.
Molecular consequence: missense variant.
Genome position (GRCh38, 1-based): chr7:76,063,568, G>C. VCF-style: chr7-76063568-G-C. GRCh37 (hg19) VCF-style: chr7-75692886-G-C.
Other names: c.483G>C, p.Lys161Asn (NM_001282403.2); c.288G>C, p.Lys96Asn (NM_001282404.2); short protein forms K161N, K203N, K96N.
Identifiers: ClinVar variation 1751572 (VCV001751572.2), dbSNP rs782262165, ClinGen allele CA367766829.

ClinVar aggregate classification (germline): Uncertain significance (1 of 4 stars; one submission).

Conditions:
Inborn genetic diseases. Identifiers: MedGen C0950123, MeSH D030342.

Submission:

Ambry Genetics
Classification: Uncertain significance for Inborn genetic diseases. Last evaluated: 2022-02-07. Review status: criteria provided, single submitter. Criteria: Ambry Variant Classification Scheme 2023. Collection method: clinical testing. Allele origin: germline.
Comment: The p.K203N variant (also known as c.609G>C), located in coding exon 6 of the MDH2 gene, results from a G to C substitution at nucleotide position 609. The lysine at codon 203 is replaced by asparagine, an amino acid with similar properties. This amino acid position is conserved. In addition, this alteration is predicted to be tolerated by in silico analysis. Since supporting evidence is limited at this time, the clinical significance of this alteration remains unclear.